The following is an entry in ClinVar:

NM_007294.4(BRCA1):c.2298T>A (p.Ser766Arg)

Gene: BRCA1 (BRCA1 DNA repair associated; minus strand). Cytogenetic location: 17q21.31.
Variant type: single nucleotide variant.
Coding change: c.2298T>A on transcript NM_007294.4 (MANE Select); coding-DNA position 2298, T replaced by A.
Protein change: p.Ser766Arg; replaces serine 766 with arginine.
Molecular consequence: missense variant. On other transcripts: intron variant (137).
Genome position (GRCh38, 1-based): chr17:43,093,233, A>T on the plus strand (T>A on the coding strand, the complement: BRCA1 is on the minus strand). VCF-style: chr17-43093233-A-T. GRCh37 (hg19) VCF-style: chr17-41245250-A-T.
Other names: c.664+1511T>A (NM_001408436.1, NM_001408444.1, NM_001408438.1 and 12 more transcripts); c.787+1511T>A (NM_001407980.1, NM_001407993.1, NM_001407976.1 and 17 more transcripts); c.2298T>A, p.Ser766Arg (NM_001407616.1, NM_001407617.1, NM_001407618.1 and 30 more transcripts); c.646+1511T>A (NM_001408459.1, NM_001408467.1, NM_001408458.1 and 11 more transcripts); c.583+1511T>A (NM_001408475.1); c.643+1511T>A (NM_001408464.1, NM_001408470.1, NM_001408468.1 and 3 more transcripts); c.652+1511T>A (NM_001408451.1); c.523+1511T>A (NM_001408498.1, NM_001408501.1, NM_001408500.1 and 3 more transcripts); and 41 more; short protein forms S719R, S766R, S654R, S696R, S740R, S698R, S763R, S765R.
Identifiers: ClinVar variation 821047 (VCV000821047.7), dbSNP rs1597870899, ClinGen allele CA10597405.

ClinVar aggregate classification (germline): Conflicting classifications of pathogenicity. Review status: criteria provided, conflicting classifications (1 of 4 stars). 2 submissions from 2 submitters: Uncertain significance (1); Likely benign (1). Last evaluated 2023-03-23.

Conditions:
Hereditary cancer-predisposing syndrome. Also called: Neoplastic Syndromes, Hereditary; Tumor predisposition; Hereditary Cancer Syndrome; Hereditary neoplastic syndrome. Identifiers: Orphanet 140162, MedGen C0027672, MeSH D009386, MONDO:0015356.

Submissions (2):

University of Washington Department of Laboratory Medicine, University of Washington
Classification: Likely benign for Hereditary cancer-predisposing syndrome. Last evaluated: 2023-03-23. Review status: criteria provided, single submitter. Criteria: Dines et al. (Genet Med. 2020). Collection method: curation. Allele origin: germline.
Comment: Missense variant in a coldspot region where missense variants are very unlikely to be pathogenic (PMID:31911673).

BRCA1 coldspot (exon 11 using historical exon numbering). Reclassification based on statistical prior probability

Ambry Genetics
Classification: Uncertain significance for Hereditary cancer-predisposing syndrome. Last evaluated: 2019-11-05. Review status: criteria provided, single submitter. Criteria: Ambry Variant Classification Scheme 2023. Collection method: clinical testing. Allele origin: germline.
Comment: The p.S766R variant (also known as c.2298T>A), located in coding exon 9 of the BRCA1 gene, results from a T to A substitution at nucleotide position 2298. The serine at codon 766 is replaced by arginine, an amino acid with dissimilar properties. This amino acid position is not well conserved in available vertebrate species. In addition, the in silico prediction for this alteration is inconclusive. Since supporting evidence is limited at this time, the clinical significance of this alteration remains unclear.